The following is an entry in ClinVar:

NM_025137.4(SPG11):c.696T>A (p.Tyr232Ter)

Gene: SPG11 (SPG11 vesicle trafficking associated, spatacsin; minus strand). Cytogenetic location: 15q21.1.
Variant type: single nucleotide variant.
Coding change: c.696T>A on transcript NM_025137.4 (MANE Select); coding-DNA position 696, T replaced by A.
Protein change: p.Tyr232Ter; replaces tyrosine 232 with a stop codon.
Molecular consequence: nonsense.
Genome position (GRCh38, 1-based): chr15:44,657,268, A>T on the plus strand (T>A on the coding strand, the complement: SPG11 is on the minus strand). VCF-style: chr15-44657268-A-T. GRCh37 (hg19) VCF-style: chr15-44949466-A-T.
Other names: c.696T>A, p.Tyr232Ter (NM_001160227.2, NM_001411132.1); short protein forms Y232*.
Identifiers: ClinVar variation 2627389 (VCV002627389.1), dbSNP rs111583187, ClinGen allele CA392237488.

ClinVar aggregate classification (germline): Likely pathogenic (1 of 4 stars; one submission).

Conditions:
Hereditary spastic paraplegia 11. Also called: Spastic Paraplegia 11; SPASTIC PARAPLEGIA, AUTOSOMAL RECESSIVE, COMPLICATED, WITH THIN CORPUS CALLOSUM; SPASTIC PARAPLEGIA, AUTOSOMAL RECESSIVE, WITH MENTAL IMPAIRMENT AND THIN CORPUS CALLOSUM; Spastic paraplegia, mental retardation and thin corpus callosum; Nakamura Osame syndrome; Autosomal recessive hereditary spastic paraplegia, mental impairment, and thin corpus callosum. Identifiers: Orphanet 2822, MedGen C1858479, MONDO:0011445, OMIM 604360.

Submission:

Neuberg Centre For Genomic Medicine, NCGM
Classification: Likely pathogenic for Hereditary spastic paraplegia 11. Review status: criteria provided, single submitter. Criteria: ACMG Guidelines, 2015. Collection method: clinical testing. Allele origin: germline. Inheritance: Autosomal recessive inheritance. Affected: yes.
Comment: The stop gained p.Y232* in SPG11 (NM_025137.4) has not been reported previously as a pathogenic variant nor as a benign variant, to our knowledge. The p.Y232* variant is novel (not in any individuals) in gnomAD Exomes and is novel (not in any individuals) in 1000 Genomes. This variant is predicted to cause loss of normal protein function through protein truncation. The p.Y232* variant is a loss of function variant in the gene SPG11, which is intolerant of Loss of Function variants, as indicated by the presence of existing pathogenic loss of function variant NP_079413.3:p.L68Ffs*2 and 156 others. There are 161 downstream pathogenic loss of function variants, with the furthest variant being 2156 residues downstream of the variant p.Y232*. For these reasons, this variant has been classified as Likely Pathogenic.